The following is an entry in ClinVar:

NM_022124.6(CDH23):c.6929C>T (p.Thr2310Ile)

Gene: CDH23 (cadherin related 23; plus strand). Cytogenetic location: 10q22.1.
Variant type: single nucleotide variant.
Coding change: c.6929C>T on transcript NM_022124.6 (MANE Select); coding-DNA position 6929, C replaced by T.
Protein change: p.Thr2310Ile; replaces threonine 2310 with isoleucine.
Molecular consequence: missense variant.
Genome position (GRCh38, 1-based): chr10:71,798,453, C>T. VCF-style: chr10-71798453-C-T. GRCh37 (hg19) VCF-style: chr10-73558210-C-T.
Other names: c.209C>T, p.Thr70Ile (NM_001171933.1, NM_001171934.1); c.6929C>T (NM_022124.5); short protein forms T70I, T2310I.
Identifiers: ClinVar variation 2140233 (VCV002140233.4), dbSNP rs758424434, ClinGen allele CA5546225.

ClinVar aggregate classification (germline): Uncertain significance. Review status: criteria provided, multiple submitters, no conflicts (2 of 4 stars). 3 submissions from 3 submitters: Uncertain significance (3). Last evaluated 2024-06-18.

Conditions:
Inborn genetic diseases. Identifiers: MedGen C0950123, MeSH D030342.

Allele frequency attached by ClinVar (database versions not stated): gnomAD 0.00001; ExAC 0.00002; TOPMed 0.00002.
gnomAD v4.1: 10 of 1,613,870 alleles (0.00062%); highest among the groups gnomAD compares: East Asian, 0.0089%; no homozygotes.

Submissions (3):

Blueprint Genetics
Classification: Uncertain significance. Last evaluated: 2024-06-18. Review status: criteria provided, single submitter. Criteria: ACMG Guidelines, 2015. Collection method: clinical testing. Allele origin: germline.

Labcorp Genetics (formerly Invitae), Labcorp
Classification: Uncertain significance. Last evaluated: 2024-01-17. Review status: criteria provided, single submitter. Criteria: Invitae Variant Classification Sherloc (09022015). Collection method: clinical testing. Allele origin: germline.
Comment: This sequence change replaces threonine, which is neutral and polar, with isoleucine, which is neutral and non-polar, at codon 2310 of the CDH23 protein (p.Thr2310Ile). This variant is present in population databases (rs758424434, gnomAD 0.01%). This variant has not been reported in the literature in individuals affected with CDH23-related conditions. ClinVar contains an entry for this variant (Variation ID: 2140233). Advanced modeling of protein sequence and biophysical properties (such as structural, functional, and spatial information, amino acid conservation, physicochemical variation, residue mobility, and thermodynamic stability) performed at Invitae indicates that this missense variant is not expected to disrupt CDH23 protein function with a negative predictive value of 95%. In summary, the available evidence is currently insufficient to determine the role of this variant in disease. Therefore, it has been classified as a Variant of Uncertain Significance.

Ambry Genetics
Classification: Uncertain significance for Inborn genetic diseases. Last evaluated: 2022-10-06. Review status: criteria provided, single submitter. Criteria: Ambry Variant Classification Scheme 2023. Collection method: clinical testing. Allele origin: germline.